The following is an entry in ClinVar:

ClinVar aggregate classification (germline): Uncertain significance. Review status: criteria provided, multiple submitters, no conflicts (2 of 4 stars). 2 submissions from 2 submitters: Uncertain significance (2). Last evaluated 2025-03-06.

Allele frequency attached by ClinVar (database versions not stated): gnomAD exomes below 0.00001; ExAC 0.00004; gnomAD 0.00006; TOPMed 0.00009; ESP Exome Variant Server 0.00023.
gnomAD v4.1: 15 of 1,614,100 alleles (0.00093%); highest among the groups gnomAD compares: African/African-American, 0.016%; no homozygotes.

Submissions (2):

Ambry Genetics
Classification: Uncertain significance. Last evaluated: 2025-03-06. Review status: criteria provided, single submitter. Criteria: Ambry Variant Classification Scheme 2023. Collection method: clinical testing. Allele origin: germline.

Labcorp Genetics (formerly Invitae), Labcorp
Classification: Uncertain significance. Last evaluated: 2022-03-27. Review status: criteria provided, single submitter. Criteria: Invitae Variant Classification Sherloc (09022015). Collection method: clinical testing. Allele origin: germline.
Comment: In summary, the available evidence is currently insufficient to determine the role of this variant in disease. Therefore, it has been classified as a Variant of Uncertain Significance. Algorithms developed to predict the effect of missense changes on protein structure and function (SIFT, PolyPhen-2, Align-GVGD) all suggest that this variant is likely to be disruptive. This variant has not been reported in the literature in individuals affected with FAT2-related conditions. This variant is present in population databases (rs147122579, gnomAD 0.03%). This sequence change replaces threonine, which is neutral and polar, with isoleucine, which is neutral and non-polar, at codon 1399 of the FAT2 protein (p.Thr1399Ile).

NM_001447.3(FAT2):c.4196C>T (p.Thr1399Ile)

Genes: FAT2 (FAT atypical cadherin 2; minus strand), SLC36A1 (solute carrier family 36 member 1; plus strand). Cytogenetic location: 5q33.1.
Variant type: single nucleotide variant.
Coding change: c.4196C>T on transcript NM_001447.3 (MANE Select); coding-DNA position 4196, C replaced by T.
Protein change: p.Thr1399Ile; replaces threonine 1399 with isoleucine.
Molecular consequence: missense variant.
Genome position (GRCh38, 1-based): chr5:151,551,567, G>A on the plus strand (C>T on the coding strand, the complement: FAT2 is on the minus strand). VCF-style: chr5-151551567-G-A. GRCh37 (hg19) VCF-style: chr5-150931128-G-A.
Other names: c.4196C>T (NM_001447.2); short protein forms T1399I.
Identifiers: ClinVar variation 2413744 (VCV002413744.7), dbSNP rs147122579, ClinGen allele CA3521609.